The following is an entry in ClinVar:

ClinVar aggregate classification (germline): Uncertain significance (1 of 4 stars; one submission).

Conditions:
Brugada syndrome. Also called: Sudden unexpected nocturnal death syndrome; Sudden unexplained nocturnal death syndrome; Sudden Unexplained Death Syndrome; Sudden Unexplained Nocturnal Death Syndrome (SUNDS). Identifiers: Orphanet 130, MedGen C1142166, MONDO:0015263.

Submission:

Labcorp Genetics (formerly Invitae), Labcorp
Classification: Uncertain significance for Brugada syndrome. Last evaluated: 2024-06-09. Review status: criteria provided, single submitter. Criteria: Invitae Variant Classification Sherloc (09022015). Collection method: clinical testing. Allele origin: germline.
Comment: This sequence change replaces asparagine, which is neutral and polar, with threonine, which is neutral and polar, at codon 713 of the CACNA2D1 protein (p.Asn713Thr). This variant is not present in population databases (gnomAD no frequency). This variant has not been reported in the literature in individuals affected with CACNA2D1-related conditions. An algorithm developed to predict the effect of missense changes on protein structure and function (PolyPhen-2) suggests that this variant is likely to be tolerated. In summary, the available evidence is currently insufficient to determine the role of this variant in disease. Therefore, it has been classified as a Variant of Uncertain Significance.

NM_000722.4(CACNA2D1):c.2138A>C (p.Asn713Thr)

Gene: CACNA2D1 (calcium voltage-gated channel auxiliary subunit alpha2delta 1; minus strand). Cytogenetic location: 7q21.11.
Variant type: single nucleotide variant.
Coding change: c.2138A>C on transcript NM_000722.4 (MANE Select); coding-DNA position 2138, A replaced by C.
Protein change: p.Asn713Thr; replaces asparagine 713 with threonine.
Molecular consequence: missense variant.
Genome position (GRCh38, 1-based): chr7:81,971,780, T>G on the plus strand (A>C on the coding strand, the complement: CACNA2D1 is on the minus strand). VCF-style: chr7-81971780-T-G. GRCh37 (hg19) VCF-style: chr7-81601096-T-G.
Other names: c.2174A>C, p.Asn725Thr (NM_001366867.1); short protein forms N725T, N713T.
Identifiers: ClinVar variation 3655984 (VCV003655984.2).